The following is an entry in ClinVar:

NM_001739.2(CA5A):c.749A>G (p.Glu250Gly)

Gene: CA5A (carbonic anhydrase 5A; minus strand). Cytogenetic location: 16q24.2.
Variant type: single nucleotide variant.
Coding change: c.749A>G on transcript NM_001739.2 (MANE Select); coding-DNA position 749, A replaced by G.
Protein change: p.Glu250Gly; replaces glutamic acid 250 with glycine.
Molecular consequence: missense variant. On other transcripts: non-coding transcript variant (2).
Genome position (GRCh38, 1-based): chr16:87,891,824, T>C on the plus strand (A>G on the coding strand, the complement: CA5A is on the minus strand). VCF-style: chr16-87891824-T-C. GRCh37 (hg19) VCF-style: chr16-87925430-T-C.
Other names: c.749A>G, p.Glu250Gly (NM_001367225.1); short protein forms E250G.
Identifiers: ClinVar variation 559305 (VCV000559305.49), dbSNP rs146136907, ClinGen allele CA8223295.
Genomic context (GRCh38, chr16:87,891,824, plus strand): 5'-GAAGCGCCATCGTGCCAGTTACGGGCACGGCTCACCTGGCTTGGGGCCACTTCAACGGGC[T>C]CCTTCTGGATGATCCAGGTGACCGACTCGGTCAGCGGCGGGGTGGTGAGCGAGCCCGCGT-3'
Protein context (NP_001730.1, residues 240-260): TESVTWIIQK[Glu250Gly]PVEVAPSQLS

ClinVar aggregate classification (germline): Likely benign. Review status: criteria provided, multiple submitters, no conflicts (2 of 4 stars). 7 submissions from 7 submitters: Likely benign (5). 2 of the submissions do not count toward it. Last evaluated 2026-09-01.

Conditions:
Hyperammonemic encephalopathy due to carbonic anhydrase VA deficiency. Also called: Carbonic Anhydrase VA Deficiency; Carbonic anhydrase VA deficiency, hyperammonemia due to. Identifiers: Orphanet 401948, MedGen C4706871, MONDO:0014332, OMIM 615751.
CA5A-related disorder. Also called: CA5A-related condition.

Allele frequency attached by ClinVar (database versions not stated): 1000 Genomes Project 0.00180; 1000 Genomes Project 30x 0.00187; ESP Exome Variant Server 0.00300; gnomAD exomes 0.00310 and 0.00658; TOPMed 0.00372; gnomAD 0.00419 and 0.00428; ExAC 0.00449.
gnomAD v4.1: 9,702 of 1,548,872 alleles (0.63%); highest among the groups gnomAD compares: Non-Finnish European, 0.79%; 38 homozygotes.

Submissions (7):

CeGaT Center for Human Genetics Tuebingen
Classification: Likely benign. Last evaluated: 2026-09-01. Review status: criteria provided, single submitter. Criteria: CeGaT Center For Human Genetics Tuebingen Variant Classification Criteria Version 2. Collection method: clinical testing. Allele origin: germline. Affected: yes. Observed: 24 variant alleles.
Comment: CA5A: BP4, BS2

Labcorp Genetics (formerly Invitae), Labcorp
Classification: Likely benign for Hyperammonemic encephalopathy due to carbonic anhydrase VA deficiency. Last evaluated: 2026-02-01. Review status: criteria provided, single submitter. Criteria: Invitae Variant Classification Sherloc (09022015). Collection method: clinical testing. Allele origin: germline.

Blueprint Genetics
Classification: Likely benign. Last evaluated: 2024-11-26. Review status: criteria provided, single submitter. Criteria: ACMG Guidelines, 2015. Collection method: clinical testing. Allele origin: germline.

GeneDx
Classification: Likely benign. Last evaluated: 2018-06-06. Review status: criteria provided, single submitter. Criteria: GeneDx Variant Classification (06012015). Collection method: clinical testing. Allele origin: germline. Affected: yes.
Comment: This variant is considered likely benign or benign based on one or more of the following criteria: it is a conservative change, it occurs at a poorly conserved position in the protein, it is predicted to be benign by multiple in silico algorithms, and/or has population frequency not consistent with disease.

Breakthrough Genomics
Classification: Likely benign. Review status: criteria provided, single submitter. Criteria: ACMG Guidelines, 2015. Collection method: not provided. Allele origin: germline. Inheritance: Autosomal recessive inheritance. Affected: yes.

PreventionGenetics, part of Exact Sciences
Classification: Likely benign for CA5A-related condition. Last evaluated: 2020-09-22. Review status: no assertion criteria provided. Collection method: clinical testing. Allele origin: germline. Not counted in ClinVar's aggregate classification.
Comment: This variant is classified as likely benign based on ACMG/AMP sequence variant interpretation guidelines (Richards et al. 2015 PMID: 25741868, with internal and published modifications).

Mayo Clinic Laboratories, Mayo Clinic
Classification: Uncertain significance. Last evaluated: 2016-03-14. Review status: no assertion criteria provided. Collection method: clinical testing. Allele origin: unknown. Not counted in ClinVar's aggregate classification.